The following is an entry in ClinVar:

ClinVar aggregate classification (germline): Uncertain significance (1 of 4 stars; one submission).

Conditions:
RBPJ-related disorder. Also called: RBPJ-related condition.

Submission:

PreventionGenetics, part of Exact Sciences
Classification: Uncertain significance for RBPJ-related condition. Last evaluated: 2023-04-14. Review status: criteria provided, single submitter. Criteria: ACMG Guidelines, 2015. Collection method: clinical testing. Allele origin: germline.
Comment: The RBPJ c.844C>G variant is predicted to result in the amino acid substitution p.Gln282Glu. To our knowledge, this variant has not been reported in the literature or in a large population database, indicating this variant is rare. At this time, the clinical significance of this variant is uncertain due to the absence of conclusive functional and genetic evidence.

NM_015874.6(RBPJ):c.805C>G (p.Gln269Glu)

Gene: RBPJ (recombination signal binding protein for immunoglobulin kappa J region; plus strand). Cytogenetic location: 4p15.2.
Variant type: single nucleotide variant.
Coding change: c.805C>G on transcript NM_015874.6 (MANE Select); coding-DNA position 805, C replaced by G.
Protein change: p.Gln269Glu; replaces glutamine 269 with glutamic acid.
Molecular consequence: missense variant.
Genome position (GRCh38, 1-based): chr4:26,428,777, C>G. VCF-style: chr4-26428777-C-G. GRCh37 (hg19) VCF-style: chr4-26430399-C-G.
Other names: c.739C>G, p.Gln247Glu (NM_001363577.2, NM_203283.5); c.844C>G, p.Gln282Glu (NM_001374400.1, NM_001379408.1, NM_005349.4); c.802C>G, p.Gln268Glu (NM_001374401.1, NM_001374402.1, NM_001374403.1 and 3 more transcripts); c.799C>G, p.Gln267Glu (NM_001379409.1); short protein forms Q247E, Q267E, Q268E, Q269E, Q282E.
Identifiers: ClinVar variation 2633690 (VCV002633690.1), dbSNP rs2475358985, ClinGen allele CA356671228.
Genomic context (GRCh38, chr4:26,428,777, plus strand): 5'-TAGATAATTAGGAAAGTTGATAAGCAGACCGCATTATTGGATGCAGATGATCCTGTGTCA[C>G]AACTCCATAAATGTGCATTTTACCTTAAGGATACAGAAAGAATGTATTTGTGCCTTTCTC-3'
Protein context (NP_056958.3, residues 259-279): ALLDADDPVS[Gln269Glu]LHKCAFYLKD